The following is an entry in ClinVar:

NM_133642.5(LARGE1):c.1553A>C (p.Gln518Pro)

Gene: LARGE1 (LARGE xylosyl- and glucuronyltransferase 1; minus strand). Cytogenetic location: 22q12.3.
Variant type: single nucleotide variant.
Coding change: c.1553A>C on transcript NM_133642.5 (MANE Select); coding-DNA position 1553, A replaced by C.
Protein change: p.Gln518Pro; replaces glutamine 518 with proline.
Molecular consequence: missense variant.
Genome position (GRCh38, 1-based): chr22:33,304,406, T>G on the plus strand (A>C on the coding strand, the complement: LARGE1 is on the minus strand). VCF-style: chr22-33304406-T-G. GRCh37 (hg19) VCF-style: chr22-33700392-T-G.
Other names: c.1553A>C, p.Gln518Pro (NM_001362949.2, NM_001362951.2, NM_001362953.2 and 6 more transcripts); c.1397A>C, p.Gln466Pro (NM_001378629.1); c.950A>C, p.Gln317Pro (NM_001378630.1); c.794A>C, p.Gln265Pro (NM_001378631.1); short protein forms Q317P, Q518P, Q265P, Q466P.
Identifiers: ClinVar variation 1029890 (VCV001029890.1), dbSNP rs756533976, ClinGen allele CA411544473.
Genomic context (GRCh38, chr22:33,304,406, plus strand): 5'-CCCTCCTTGTACACGATGTGGTAGCCCACGTTGTGGCGGCTCATAAGCACCTCAGAGCCC[T>G]GTGCGTAGCGGAGGAACTGCTGGGCCTCGGCGTCTGACAGGTAGAGGGCCAGGCTGATGG-3'
Protein context (NP_598397.1, residues 508-528): AEAQQFLRYA[Gln518Pro]GSEVLMSRHN

ClinVar aggregate classification (germline): Uncertain significance (1 of 4 stars; one submission).

Conditions:
Muscular dystrophy-dystroglycanopathy (congenital with brain and eye anomalies), type A6. Also called: WALKER-WARBURG SYNDROME OR MUSCLE-EYE-BRAIN DISEASE, LARGE-RELATED; MUSCULAR DYSTROPHY-DYSTROGLYCANOPATHY (CONGENITAL WITH BRAIN AND EYE ANOMALIES), TYPE A, 6. Identifiers: Orphanet 588, Orphanet 899, MedGen C3150414, MONDO:0013158, OMIM 613154.

Submission:

Baylor Genetics
Classification: Uncertain significance for Muscular dystrophy-dystroglycanopathy (congenital with brain and eye anomalies), type A6. Last evaluated: 2020-06-05. Review status: criteria provided, single submitter. Criteria: ACMG Guidelines, 2015. Collection method: clinical testing. Allele origin: unknown. Affected: yes.
Comment: This variant was determined to be of uncertain significance according to ACMG Guidelines, 2015 [PMID:25741868].